The following is an entry in ClinVar:

ClinVar aggregate classification (germline): Uncertain significance (1 of 4 stars; one submission).

Conditions:
Juvenile polyposis syndrome (JPS). Identifiers: Orphanet 2929, MedGen C0345893, MONDO:0017380, OMIM 174900.

Submission:

Labcorp Genetics (formerly Invitae), Labcorp
Classification: Uncertain significance for Juvenile polyposis syndrome. Last evaluated: 2023-09-11. Review status: criteria provided, single submitter. Criteria: Invitae Variant Classification Sherloc (09022015). Collection method: clinical testing. Allele origin: germline.
Comment: In summary, the available evidence is currently insufficient to determine the role of this variant in disease. Therefore, it has been classified as a Variant of Uncertain Significance. Advanced modeling of protein sequence and biophysical properties (such as structural, functional, and spatial information, amino acid conservation, physicochemical variation, residue mobility, and thermodynamic stability) has been performed at Invitae for this missense variant, however the output from this modeling did not meet the statistical confidence thresholds required to predict the impact of this variant on BMPR1A protein function. This variant has not been reported in the literature in individuals affected with BMPR1A-related conditions. This variant is not present in population databases (gnomAD no frequency). This sequence change replaces methionine, which is neutral and non-polar, with valine, which is neutral and non-polar, at codon 470 of the BMPR1A protein (p.Met470Val).

NM_004329.3(BMPR1A):c.1408A>G (p.Met470Val)

Gene: BMPR1A (bone morphogenetic protein receptor type 1A; plus strand). Cytogenetic location: 10q23.2.
Variant type: single nucleotide variant.
Coding change: c.1408A>G on transcript NM_004329.3 (MANE Select); coding-DNA position 1408, A replaced by G.
Protein change: p.Met470Val; replaces methionine 470 with valine.
Molecular consequence: missense variant. On other transcripts: non-coding transcript variant (3).
Genome position (GRCh38, 1-based): chr10:86,923,441, A>G. VCF-style: chr10-86923441-A-G. GRCh37 (hg19) VCF-style: chr10-88683198-A-G.
Other names: c.1483A>G, p.Met495Val (NM_001406559.1); c.1456A>G, p.Met486Val (NM_001406560.1); c.1408A>G, p.Met470Val (NM_001406561.1, NM_001406572.1, NM_001406573.1 and 19 more transcripts); c.1402A>G, p.Met468Val (NM_001406583.1); c.1324A>G, p.Met442Val (NM_001406584.1, NM_001406585.1, NM_001406586.1 and 2 more transcripts); c.1066A>G, p.Met356Val (NM_001406589.1); short protein forms M442V, M356V, M470V, M486V, M468V, M495V.
Identifiers: ClinVar variation 2792771 (VCV002792771.3), dbSNP rs2539648860, ClinGen allele CA377462964.